The following is an entry in ClinVar:

ClinVar aggregate classification (germline): Uncertain significance. Review status: criteria provided, multiple submitters, no conflicts (2 of 4 stars). 2 submissions from 2 submitters: Uncertain significance (2). Last evaluated 2024-04-22.

Conditions:
Diabetes mellitus, permanent neonatal 3. Also called: ABCC8-Related Permanent Neonatal Diabetes Mellitus. Identifiers: MedGen C5394303, MONDO:0030088, OMIM 618857.
Diabetes mellitus, transient neonatal, 2 (TNDM2). Identifiers: Orphanet 99886, MedGen C1835887, MONDO:0012480, OMIM 610374. Disease mechanism: loss of function.
Type 2 diabetes mellitus. Also called: Type II diabetes mellitus. Identifiers: MedGen C0011860, MeSH D003924, MONDO:0005148, OMIM 125853, HP:0005978.
Maturity-onset diabetes of the young, type 12. Identifiers: MedGen C6012723, MONDO:0978299, OMIM 621196.
Hyperinsulinemic hypoglycemia, familial, 1 (HHF1). Also called: Persistent Hyperinsulinemia Hypoglycemia of Infancy; Persistent hyperinsulinemic hypoglycemia of infancy; HYPERINSULINISM, FAMILIAL, WITH PANCREATIC NESIDIOBLASTOSIS; HYPOGLYCEMIA, HYPERINSULINEMIC, OF INFANCY; NESIDIOBLASTOSIS OF PANCREAS. Identifiers: Orphanet 276575, Orphanet 276598, MedGen C2931832, MONDO:0009734, OMIM 256450.
Leucine-induced hypoglycemia (LIH). Also called: LEUCINE-SENSITIVE HYPOGLYCEMIA OF INFANCY. Identifiers: MedGen C0271714, MONDO:0009415, OMIM 240800.

gnomAD v4.1: 2 of 1,614,260 alleles (0.00012%); highest among the groups gnomAD compares: East Asian, 0.0045%; no homozygotes.

Submissions (2):

Fulgent Genetics
Classification: Uncertain significance for Type 2 diabetes mellitus; Leucine-induced hypoglycemia; Hyperinsulinemic hypoglycemia, familial, 1; Diabetes mellitus, transient neonatal, 2; Diabetes mellitus, permanent neonatal 3. Last evaluated: 2024-04-22. Review status: criteria provided, single submitter. Criteria: ACMG Guidelines, 2015. Collection method: clinical testing. Allele origin: germline.

Juno Genomics, Hangzhou Juno Genomics, Inc
Classification: Uncertain significance for Type 2 diabetes mellitus; Diabetes mellitus, permanent neonatal 3; Diabetes mellitus, transient neonatal, 2; Hyperinsulinemic hypoglycemia, familial, 1; Leucine-induced hypoglycemia; Maturity-onset diabetes of the young, type 12. Review status: criteria provided, single submitter. Criteria: ACMG Guidelines, 2015. Collection method: clinical testing. Allele origin: germline.
Comment: Absent from controls (or at extremely low frequency if recessive) in Genome Aggregation Database.;Multiple lines of computational evidence support a deleterious effect on the gene or gene product.

NM_000352.6(ABCC8):c.752G>A (p.Gly251Glu)

Gene: ABCC8 (ATP binding cassette subfamily C member 8; minus strand). Cytogenetic location: 11p15.1.
Variant type: single nucleotide variant.
Coding change: c.752G>A on transcript NM_000352.6 (MANE Select); coding-DNA position 752, G replaced by A.
Protein change: p.Gly251Glu; replaces glycine 251 with glutamic acid.
Molecular consequence: missense variant. On other transcripts: non-coding transcript variant (1).
Genome position (GRCh38, 1-based): chr11:17,461,653, C>T on the plus strand (G>A on the coding strand, the complement: ABCC8 is on the minus strand). VCF-style: chr11-17461653-C-T. GRCh37 (hg19) VCF-style: chr11-17483200-C-T.
Other names: c.752G>A, p.Gly251Glu (NM_001287174.3, NM_001351295.2, NM_001351296.2 and 1 more transcripts); short protein forms G251E.
Identifiers: ClinVar variation 3599412 (VCV003599412.3).
Genomic context (GRCh38, chr11:17,461,653, plus strand): 5'-TCAAAGGCCTCGCAGAGCCGTTGGTAGTTGGTGAGGGCCCTCATGGCGATGGGCAGCTTC[C>T]CGATGGCTCGCAAGTCGATGGGCTTCTTGTGGGCAGTCTTGATGAAGGCGTTCATCCACC-3'
Protein context (NP_000343.2, residues 241-261): HKKPIDLRAI[Gly251Glu]KLPIAMRALT